The following is an entry in ClinVar:

ClinVar aggregate classification (germline): Uncertain significance (1 of 4 stars; one submission).

Conditions:
Cardiovascular phenotype. Identifiers: MedGen CN230736.

Submission:

Ambry Genetics
Classification: Uncertain significance for Cardiovascular phenotype. Last evaluated: 2019-11-19. Review status: criteria provided, single submitter. Criteria: Ambry Variant Classification Scheme 2023. Collection method: clinical testing. Allele origin: germline.
Comment: The p.A1317V variant (also known as c.3950C>T), located in coding exon 32 of the CACNA1C gene, results from a C to T substitution at nucleotide position 3950. The alanine at codon 1317 is replaced by valine, an amino acid with similar properties. This amino acid position is not well conserved in available vertebrate species, and valine is the reference amino acid in other vertebrate species. In addition, the in silico prediction for this alteration is inconclusive. Since supporting evidence is limited at this time, the clinical significance of this alteration remains unclear.

NM_000719.7(CACNA1C):c.3950C>T (p.Ala1317Val)

Gene: CACNA1C (calcium voltage-gated channel subunit alpha1 C; plus strand). Cytogenetic location: 12p13.33.
Variant type: single nucleotide variant.
Coding change: c.3950C>T on transcript NM_000719.7 (MANE Select); coding-DNA position 3950, C replaced by T.
Protein change: p.Ala1317Val; replaces alanine 1317 with valine.
Molecular consequence: missense variant.
Genome position (GRCh38, 1-based): chr12:2,651,644, C>T. VCF-style: chr12-2651644-C-T. GRCh37 (hg19) VCF-style: chr12-2760810-C-T.
Other names: c.4094C>T, p.Ala1365Val (NM_001129827.2, NM_199460.4); c.4016C>T, p.Ala1339Val (NM_001129829.2); c.3950C>T, p.Ala1317Val (NM_001129830.3, NM_001129833.2, NM_001129834.2 and 7 more transcripts); c.4034C>T, p.Ala1345Val (NM_001129831.2); c.4010C>T, p.Ala1337Val (NM_001129832.2); c.4001C>T, p.Ala1334Val (NM_001129836.2); c.3917C>T, p.Ala1306Val (NM_001129837.2, NM_001129838.2, NM_001129846.2 and 1 more transcripts); c.3911C>T, p.Ala1304Val (NM_001129839.2); and 1 more; short protein forms A1334V, A1339V, A1365V, A1314V, A1337V, A1345V, A1304V, A1306V.
Identifiers: ClinVar variation 1736437 (VCV001736437.2), dbSNP rs2527676313, ClinGen allele CA383373437.